The following is an entry in ClinVar:

ClinVar aggregate classification (germline): Uncertain significance. Review status: criteria provided, multiple submitters, no conflicts (2 of 4 stars). 2 submissions from 2 submitters: Uncertain significance (2). Last evaluated 2024-12-20.

Conditions:
Inborn genetic diseases. Identifiers: MedGen C0950123, MeSH D030342.

Allele frequency attached by ClinVar (database versions not stated): gnomAD exomes 0.00001; ExAC 0.00001.
gnomAD v4.1: 13 of 1,613,904 alleles (0.00081%); highest among the groups gnomAD compares: Admixed American, 0.0083%; no homozygotes.

Submissions (2):

Ambry Genetics
Classification: Uncertain significance for Inborn genetic diseases. Last evaluated: 2024-12-20. Review status: criteria provided, single submitter. Criteria: Ambry Variant Classification Scheme 2023. Collection method: clinical testing. Allele origin: germline.

Labcorp Genetics (formerly Invitae), Labcorp
Classification: Uncertain significance. Last evaluated: 2022-07-05. Review status: criteria provided, single submitter. Criteria: Invitae Variant Classification Sherloc (09022015). Collection method: clinical testing. Allele origin: germline.
Comment: This sequence change replaces arginine, which is basic and polar, with histidine, which is basic and polar, at codon 1350 of the SPEG protein (p.Arg1350His). This variant is present in population databases (rs376367804, gnomAD 0.009%). This variant has not been reported in the literature in individuals affected with SPEG-related conditions. ClinVar contains an entry for this variant (Variation ID: 1365915). Algorithms developed to predict the effect of missense changes on protein structure and function are either unavailable or do not agree on the potential impact of this missense change (SIFT: "Deleterious"; PolyPhen-2: "Benign"; Align-GVGD: "Class C0"). In summary, the available evidence is currently insufficient to determine the role of this variant in disease. Therefore, it has been classified as a Variant of Uncertain Significance.

NM_005876.5(SPEG):c.4049G>A (p.Arg1350His)

Gene: SPEG (striated muscle enriched protein kinase; plus strand). Cytogenetic location: 2q35.
Variant type: single nucleotide variant.
Coding change: c.4049G>A on transcript NM_005876.5 (MANE Select); coding-DNA position 4049, G replaced by A.
Protein change: p.Arg1350His; replaces arginine 1350 with histidine.
Molecular consequence: missense variant.
Genome position (GRCh38, 1-based): chr2:219,472,998, G>A. VCF-style: chr2-219472998-G-A. GRCh37 (hg19) VCF-style: chr2-220337720-G-A.
Other names: c.4049G>A (NM_005876.4); short protein forms R1350H.
Identifiers: ClinVar variation 1365915 (VCV001365915.6), dbSNP rs376367804, ClinGen allele CA2126383.
Genomic context (GRCh38, chr2:219,472,998, plus strand): 5'-ACCAGTGGACGGCACTGGTCACAGGCCTGCGGGAGCCAGGGTGGGCAGCCACAGGGCTGC[G>A]TAAGGGGGTCCAGCACATCTTCCGGGTCCTCAGCACCACTGTCAAGAGCAGCAGCAAGCC-3'
Protein context (NP_005867.3, residues 1340-1360): REPGWAATGL[Arg1350His]KGVQHIFRVL